The following is an entry in ClinVar:

NM_014363.6(SACS):c.7272C>A (p.Cys2424Ter)

Gene: SACS (sacsin molecular chaperone; minus strand). Cytogenetic location: 13q12.12.
Variant type: single nucleotide variant.
Coding change: c.7272C>A on transcript NM_014363.6 (MANE Select); coding-DNA position 7272, C replaced by A.
Protein change: p.Cys2424Ter; replaces cysteine 2424 with a stop codon.
Molecular consequence: nonsense.
Genome position (GRCh38, 1-based): chr13:23,336,604, G>T on the plus strand (C>A on the coding strand, the complement: SACS is on the minus strand). VCF-style: chr13-23336604-G-T. GRCh37 (hg19) VCF-style: chr13-23910743-G-T.
Other names: c.6831C>A, p.Cys2277Ter (NM_001278055.2); short protein forms C2277*, C2424*.
Identifiers: ClinVar variation 857156 (VCV000857156.9), dbSNP rs1868626730, ClinGen allele CA387519660.
Genomic context (GRCh38, chr13:23,336,604, plus strand): 5'-ACAAAATTCTTGTTTCTTTTCTCTAATGAGACTCCATATTCCTTCACTGATTATTCGTCG[G>T]CAAAGCTGAAAATTCTCTTCTGTTATTTGCTTTGTTCCTCTTTCTTGATCAATAGATTCC-3'

ClinVar aggregate classification (germline): Pathogenic (1 of 4 stars; one submission).

Conditions:
Spastic paraplegia. Identifiers: MedGen C0037772, HP:0001258.

Submission:

Labcorp Genetics (formerly Invitae), Labcorp
Classification: Pathogenic for Spastic paraplegia. Last evaluated: 2019-12-11. Review status: criteria provided, single submitter. Criteria: Invitae Variant Classification Sherloc (09022015). Collection method: clinical testing. Allele origin: germline.
Comment: For these reasons, this variant has been classified as Pathogenic. A different truncation downstream of this variant (p.Ile2949Phefs*4) has been determined to be pathogenic (PMID: 23250129). This suggests that deletion of this region of the SACS protein is causative of disease. This variant has not been reported in the literature in individuals with SACS-related conditions. This variant is not present in population databases (ExAC no frequency). This sequence change results in a premature translational stop signal in the SACS gene (p.Cys2424*). While this is not anticipated to result in nonsense mediated decay, it is expected to disrupt the last 2,156 amino acids of the SACS protein.

Literature cited by the submitters: PubMed 23250129.